The following is an entry in ClinVar:

NM_014000.3(VCL):c.115G>A (p.Asp39Asn)

Genes: VCL (vinculin; plus strand), LOC130004109 (ATAC-STARR-seq lymphoblastoid active region 3587; plus strand). Cytogenetic location: 10q22.2.
Variant type: single nucleotide variant.
Coding change: c.115G>A on transcript NM_014000.3 (MANE Select); coding-DNA position 115, G replaced by A.
Protein change: p.Asp39Asn; replaces aspartic acid 39 with asparagine.
Molecular consequence: missense variant.
Genome position (GRCh38, 1-based): chr10:73,998,322, G>A. VCF-style: chr10-73998322-G-A. GRCh37 (hg19) VCF-style: chr10-75758080-G-A.
Other names: c.115G>A, p.Asp39Asn (NM_003373.4); short protein forms D39N.
Identifiers: ClinVar variation 4198548 (VCV004198548.1).

ClinVar aggregate classification (germline): Uncertain significance (1 of 4 stars; one submission).

Conditions:
Cardiovascular phenotype. Identifiers: MedGen CN230736.

Submission:

Ambry Genetics
Classification: Uncertain significance for Cardiovascular phenotype. Last evaluated: 2025-07-28. Review status: criteria provided, single submitter. Criteria: Ambry Variant Classification Scheme 2023. Collection method: clinical testing. Allele origin: germline.
Comment: The p.D39N variant (also known as c.115G>A), located in coding exon 1 of the VCL gene, results from a G to A substitution at nucleotide position 115. The aspartic acid at codon 39 is replaced by asparagine, an amino acid with highly similar properties. This amino acid position is conserved. In addition, this alteration is predicted to be tolerated by in silico analysis. Based on the available evidence, the clinical significance of this variant remains unclear.